The following is an entry in ClinVar:

ClinVar aggregate classification (germline): Uncertain significance. Review status: criteria provided, multiple submitters, no conflicts (2 of 4 stars). 3 submissions from 3 submitters: Uncertain significance (3). Last evaluated 2025-12-03.

Conditions:
Norman-Roberts syndrome (LIS2). Also called: Lissencephaly 2 (Norman-Roberts type). Identifiers: Orphanet 89844, MedGen C0796089, MONDO:0009760, OMIM 257320.
Familial temporal lobe epilepsy 7. Identifiers: Orphanet 101046, MedGen C4225327, MONDO:0014639, OMIM 616436.
Inborn genetic diseases. Identifiers: MedGen C0950123, MeSH D030342.

Allele frequency attached by ClinVar (database versions not stated): TOPMed 0.00001; ExAC 0.00002.
gnomAD v4.1: 16 of 1,613,796 alleles (0.00099%); highest among the groups gnomAD compares: East Asian, 0.0022%; no homozygotes.

Submissions (3):

Labcorp Genetics (formerly Invitae), Labcorp
Classification: Uncertain significance for Familial temporal lobe epilepsy 7; Norman-Roberts syndrome. Last evaluated: 2025-12-03. Review status: criteria provided, single submitter. Criteria: Invitae Variant Classification Sherloc (09022015). Collection method: clinical testing. Allele origin: germline.
Comment: This sequence change replaces threonine, which is neutral and polar, with alanine, which is neutral and non-polar, at codon 1916 of the RELN protein (p.Thr1916Ala). This variant is present in population databases (rs768731886, gnomAD 0.003%). This variant has not been reported in the literature in individuals affected with RELN-related conditions. ClinVar contains an entry for this variant (Variation ID: 810163). Invitae Evidence Modeling of protein sequence and biophysical properties (such as structural, functional, and spatial information, amino acid conservation, physicochemical variation, residue mobility, and thermodynamic stability) indicates that this missense variant is not expected to disrupt RELN protein function with a negative predictive value of 80%. In summary, the available evidence is currently insufficient to determine the role of this variant in disease. Therefore, it has been classified as a Variant of Uncertain Significance.

Ambry Genetics
Classification: Uncertain significance for Inborn genetic diseases. Last evaluated: 2025-08-30. Review status: criteria provided, single submitter. Criteria: Ambry Variant Classification Scheme 2023. Collection method: clinical testing. Allele origin: germline.

CeGaT Center for Human Genetics Tuebingen
Classification: Uncertain significance. Last evaluated: 2016-10-01. Review status: criteria provided, single submitter. Criteria: CeGaT Center For Human Genetics Tuebingen Variant Classification Criteria Version 2. Collection method: clinical testing. Allele origin: germline. Affected: yes. Observed: 1 variant allele.

NM_005045.4(RELN):c.5746A>G (p.Thr1916Ala)

Gene: RELN (reelin; minus strand). Cytogenetic location: 7q22.1.
Variant type: single nucleotide variant.
Coding change: c.5746A>G on transcript NM_005045.4 (MANE Select); coding-DNA position 5746, A replaced by G.
Protein change: p.Thr1916Ala; replaces threonine 1916 with alanine.
Molecular consequence: missense variant.
Genome position (GRCh38, 1-based): chr7:103,557,028, T>C on the plus strand (A>G on the coding strand, the complement: RELN is on the minus strand). VCF-style: chr7-103557028-T-C. GRCh37 (hg19) VCF-style: chr7-103197475-T-C.
Other names: c.5746A>G, p.Thr1916Ala (NM_173054.3); c.5746A>G (NM_005045.3); short protein forms T1916A.
Identifiers: ClinVar variation 810163 (VCV000810163.50), dbSNP rs768731886, ClinGen allele CA4421122.